The following is an entry in ClinVar:

NM_000321.3(RB1):c.1390_1392GAA[2] (p.Glu466del)

Gene: RB1 (RB transcriptional corepressor 1; plus strand). Cytogenetic location: 13q14.2.
Variant type: Microsatellite.
Coding change: c.1390_1392GAA[2] on transcript NM_000321.3 (MANE Select).
Protein change: p.Glu466del; deletes glutamic acid 466.
Molecular consequence: inframe deletion.
Genome position: GRCh38 VCF-style: chr13-48380052-GGAA-G. GRCh37 (hg19) VCF-style: chr13-48954188-GGAA-G.
Other names: short protein forms E466del.
Identifiers: ClinVar variation 1477035 (VCV001477035.12), dbSNP rs1948519753, ClinGen allele CA2575413491.

ClinVar aggregate classification (germline): Uncertain significance. Review status: criteria provided, multiple submitters, no conflicts (2 of 4 stars). 3 submissions from 3 submitters: Uncertain significance (3). Last evaluated 2025-10-07.

Conditions:
Hereditary cancer-predisposing syndrome. Also called: Neoplastic Syndromes, Hereditary; Hereditary Cancer Syndrome; Tumor predisposition; Hereditary neoplastic syndrome. Identifiers: Orphanet 140162, MedGen C0027672, MeSH D009386, MONDO:0015356.
Retinoblastoma (RB1). Also called: RETINOBLASTOMA, SOMATIC. Identifiers: Orphanet 790, MedGen C0035335, MeSH D012175, MONDO:0008380, OMIM 180200, HP:0009919. Disease mechanism: loss of function. Inheritance: Both sporadic and heritable forms are tested..

Submissions (3):

Labcorp Genetics (formerly Invitae), Labcorp
Classification: Uncertain significance for Retinoblastoma. Last evaluated: 2025-10-07. Review status: criteria provided, single submitter. Criteria: Invitae Variant Classification Sherloc (09022015). Collection method: clinical testing. Allele origin: germline.
Comment: This variant, c.1396_1398del, results in the deletion of 1 amino acid(s) of the RB1 protein (p.Glu466del), but otherwise preserves the integrity of the reading frame. This variant is not present in population databases (gnomAD no frequency). This variant has not been reported in the literature in individuals affected with RB1-related conditions. ClinVar contains an entry for this variant (Variation ID: 1477035). Experimental studies and prediction algorithms are not available or were not evaluated, and the functional significance of this variant is currently unknown. RNA analysis performed to evaluate the impact of this variant on mRNA splicing indicates it does not significantly alter splicing (internal data). In summary, the available evidence is currently insufficient to determine the role of this variant in disease. Therefore, it has been classified as a Variant of Uncertain Significance.

All of Us Research Program, National Institutes of Health
Classification: Uncertain significance for Retinoblastoma. Last evaluated: 2023-05-16. Review status: criteria provided, single submitter. Criteria: ACMG Guidelines, 2015. Collection method: clinical testing. Allele origin: germline. Inheritance: Autosomal dominant inheritance. Observed: 1 variant allele, 1 heterozygote.
Comment: This variant causes an in-frame deletion of glutamic acid at residue 466 in the RB1 protein. To our knowledge, functional studies have not been reported for this variant. This variant has not been reported in individuals affected with RB1-related disorders in the literature. This variant has not been identified in the general population by the Genome Aggregation Database (gnomAD). The available evidence is insufficient to determine the role of this variant in disease conclusively. Therefore, this variant is classified as a Variant of Uncertain Significance.

This study involves interpretation of variants in research participants for the purpose of population health screening. Participant phenotype was not available at the time of variant classification. Additional details can be found in publication PMID: 35346344, PMCID: PMC8962531

Ambry Genetics
Classification: Uncertain significance for Hereditary cancer-predisposing syndrome. Last evaluated: 2023-03-20. Review status: criteria provided, single submitter. Criteria: Ambry Variant Classification Scheme 2023. Collection method: clinical testing. Allele origin: germline.
Comment: The c.1396_1398delGAA variant (also known as p.E466del) is located in coding exon 15 of the RB1 gene. This variant results from an in-frame GAA deletion at nucleotide positions 1396 to 1398. This results in the in-frame deletion of a glutamic acid at codon 466. This amino acid position is not well conserved in available vertebrate species. In silico splice site analysis predicts that this alteration will weaken the native splice acceptor site. In addition, this alteration is predicted to be deleterious by in silico analysis (Choi Y et al. PLoS ONE. 2012; 7(10):e46688). Since supporting evidence is limited at this time, the clinical significance of this alteration remains unclear.